The following is an entry in ClinVar:

NM_006035.4(CDC42BPB):c.3757A>G (p.Arg1253Gly)

Genes: CDC42BPB (CDC42 binding protein kinase beta; minus strand), LOC126862066 (CDK7 strongly-dependent group 2 enhancer GRCh37_chr14:103411482-103412681; plus strand). Cytogenetic location: 14q32.32.
Variant type: single nucleotide variant.
Coding change: c.3757A>G on transcript NM_006035.4 (MANE Select); coding-DNA position 3757, A replaced by G.
Protein change: p.Arg1253Gly; replaces arginine 1253 with glycine.
Molecular consequence: missense variant.
Genome position (GRCh38, 1-based): chr14:102,945,716, T>C on the plus strand (A>G on the coding strand, the complement: CDC42BPB is on the minus strand). VCF-style: chr14-102945716-T-C. GRCh37 (hg19) VCF-style: chr14-103412053-T-C.
Other names: c.3679A>G, p.Arg1227Gly (NM_001411054.1); short protein forms R1227G, R1253G.
Identifiers: ClinVar variation 4055785 (VCV004055785.1).

ClinVar aggregate classification (germline): Uncertain significance (1 of 4 stars; one submission).

Submission:

GeneDx
Classification: Uncertain significance. Last evaluated: 2025-01-03. Review status: criteria provided, single submitter. Criteria: GeneDx Variant Classification Process June 2021. Collection method: clinical testing. Allele origin: germline. Affected: yes.
Comment: Not observed at significant frequency in large population cohorts (gnomAD); In silico analysis supports that this missense variant has a deleterious effect on protein structure/function; Has not been previously published as pathogenic or benign to our knowledge